The following is an entry in ClinVar:

ClinVar aggregate classification (germline): Uncertain significance (1 of 4 stars; one submission).

Conditions:
Oligodontia-cancer predisposition syndrome. Also called: TOOTH AGENESIS-COLORECTAL CANCER SYNDROME. Identifiers: Orphanet 300576, MedGen C1837750, MONDO:0012075, OMIM 608615. Disease mechanism: loss of function.

Submission:

Labcorp Genetics (formerly Invitae), Labcorp
Classification: Uncertain significance for Oligodontia-cancer predisposition syndrome. Last evaluated: 2022-10-25. Review status: criteria provided, single submitter. Criteria: Invitae Variant Classification Sherloc (09022015). Collection method: clinical testing. Allele origin: germline.
Comment: This sequence change replaces alanine, which is neutral and non-polar, with valine, which is neutral and non-polar, at codon 371 of the AXIN2 protein (p.Ala371Val). In summary, the available evidence is currently insufficient to determine the role of this variant in disease. Therefore, it has been classified as a Variant of Uncertain Significance. Advanced modeling of protein sequence and biophysical properties (such as structural, functional, and spatial information, amino acid conservation, physicochemical variation, residue mobility, and thermodynamic stability) performed at Invitae indicates that this missense variant is expected to disrupt AXIN2 protein function. This variant has not been reported in the literature in individuals affected with AXIN2-related conditions. This variant is not present in population databases (gnomAD no frequency).

NM_004655.4(AXIN2):c.1112C>T (p.Ala371Val)

Gene: AXIN2 (axin 2; minus strand). Cytogenetic location: 17q24.1.
Variant type: single nucleotide variant.
Coding change: c.1112C>T on transcript NM_004655.4 (MANE Select); coding-DNA position 1112, C replaced by T.
Protein change: p.Ala371Val; replaces alanine 371 with valine.
Molecular consequence: missense variant.
Genome position (GRCh38, 1-based): chr17:65,538,291, G>A on the plus strand (C>T on the coding strand, the complement: AXIN2 is on the minus strand). VCF-style: chr17-65538291-G-A. GRCh37 (hg19) VCF-style: chr17-63534409-G-A.
Other names: c.1112C>T, p.Ala371Val (NM_001363813.1); short protein forms A371V.
Identifiers: ClinVar variation 2809662 (VCV002809662.3), dbSNP rs2043980302, ClinGen allele CA400678430.
Genomic context (GRCh38, chr17:65,538,291, plus strand): 5'-AGGCTGTGGCGGCTCTCCAACTCCAGCTTCAGCTTTTCCAGCCTCGAGATCAGCTCAGCT[G>A]CAAAGGTGGCGGGTTCCACGGGGGTCATCTCCTTGGGCAGGCGGTGGGTTCTCTACAGGA-3'
Protein context (NP_004646.3, residues 361-381): EMTPVEPATF[Ala371Val]AELISRLEKL